The following is an entry in ClinVar:

NM_032131.6(ARMC2):c.408C>T (p.Phe136=)

Gene: ARMC2 (armadillo repeat containing 2; plus strand). Cytogenetic location: 6q21.
Variant type: single nucleotide variant.
Coding change: c.408C>T on transcript NM_032131.6 (MANE Select); coding-DNA position 408, C replaced by T.
Protein change: p.Phe136=; no amino-acid change (phenylalanine 136 retained).
Molecular consequence: synonymous variant. On other transcripts: 5 prime UTR variant (1).
Genome position (GRCh38, 1-based): chr6:108,868,940, C>T. VCF-style: chr6-108868940-C-T. GRCh37 (hg19) VCF-style: chr6-109190143-C-T.
Other names: c.-88C>T (NM_001286609.2).
Identifiers: ClinVar variation 2656824 (VCV002656824.24), dbSNP rs1776106734, ClinGen allele CA451840759.

ClinVar aggregate classification (germline): Likely benign (1 of 4 stars; one submission).

Allele frequency attached by ClinVar (database versions not stated): gnomAD 0.00001.
gnomAD v4.1: 1 of 1,613,842 alleles (0.000062%); highest among the groups gnomAD compares: Non-Finnish European, 0.000085%; no homozygotes.

Submission:

CeGaT Center for Human Genetics Tuebingen
Classification: Likely benign. Last evaluated: 2023-05-01. Review status: criteria provided, single submitter. Criteria: CeGaT Center For Human Genetics Tuebingen Variant Classification Criteria Version 2. Collection method: clinical testing. Allele origin: germline. Affected: yes. Observed: 1 variant allele.
Comment: ARMC2: BP4, BP7